The following is an entry in ClinVar:

NM_033360.4(KRAS):c.148A>T (p.Thr50Ser)

Gene: KRAS (KRAS proto-oncogene, GTPase; minus strand). Cytogenetic location: 12p12.1.
Variant type: single nucleotide variant.
Coding change: c.148A>T on transcript NM_033360.4; coding-DNA position 148, A replaced by T.
Protein change: p.Thr50Ser; replaces threonine 50 with serine.
Molecular consequence: missense variant.
Genome position (GRCh38, 1-based): chr12:25,227,376, T>A on the plus strand (A>T on the coding strand, the complement: KRAS is on the minus strand). VCF-style: chr12-25227376-T-A. GRCh37 (hg19) VCF-style: chr12-25380310-T-A.
Other names: p.T50S:ACC>TCC; c.148A>T, p.Thr50Ser (LRG_344t1, LRG_344t2, NM_001369786.1 and 2 more transcripts); short protein forms T50S.
Identifiers: ClinVar variation 180858 (VCV000180858.2), dbSNP rs730880470, ClinGen allele CA296081.

ClinVar aggregate classification (germline): Uncertain significance (1 of 4 stars; one submission).

Submission:

GeneDx
Classification: Uncertain significance. Last evaluated: 2014-04-28. Review status: criteria provided, single submitter. Criteria: GeneDx Variant Classification (06012015). Collection method: clinical testing. Allele origin: germline. Affected: yes.
Comment: A variant of unknown significance has been identified in the KRAS gene. The T50S variant has not been published as a mutation, nor has it been reported as a benign polymorphism to our knowledge. The T50S variant was not observed in approximately 6,500 individuals of European and African American ancestry in the NHLBI Exome Sequencing Project, indicating it is not a common benign variant in these populations. The T50S variant is a conservative amino acid substitution, which is not likely to impact secondary protein structure as these residues share similar properties. This substitution occurs at a position that is conserved across species. In silico analysis is inconsistent in its predictions as to whether or not the variant is damaging to the protein structure/function. Missense mutations in nearby residues (T58I, G60S, G60R, G60V) have been reported in association with KRAS-related disorders, supporting the functional importance of this region of the protein. Therefore, based on the currently available information, it is unclear whether this variant is a pathogenic mutation or a rare benign variant. The variant is found in NOONAN panel(s).